The following is an entry in ClinVar:

ClinVar aggregate classification (germline): Uncertain significance (1 of 4 stars; one submission).

Conditions:
Inborn genetic diseases. Identifiers: MedGen C0950123, MeSH D030342.

Allele frequency attached by ClinVar (database versions not stated): gnomAD 0.00001; ExAC 0.00002; TOPMed 0.00002.
gnomAD v4.1: 8 of 1,613,810 alleles (0.0005%); highest among the groups gnomAD compares: African/African-American, 0.008%; no homozygotes.

Submission:

Ambry Genetics
Classification: Uncertain significance for Inborn genetic diseases. Last evaluated: 2017-08-02. Review status: criteria provided, single submitter. Criteria: Ambry Variant Classification Scheme 2023. Collection method: clinical testing. Allele origin: germline.
Comment: The p.I1253V variant (also known as c.3757A>G), located in coding exon 23 of the CNTNAP2 gene, results from an A to G substitution at nucleotide position 3757. The isoleucine at codon 1253 is replaced by valine, an amino acid with highly similar properties. A different alteration located at the same position, p.I1253T, was identified in a family with autism spectrum disorder; however, it did not segregate with disease in this family (Bakkaloglu B et al. Am. J. Hum. Genet., 2008 Jan;82:165-73). In addition, in one functional study, authors showed that the p.I1253T alteration displayed a level of endoplasmic reticulum (ER) retention that resembled wild type (Falivelli G et al. Hum. Mol. Genet., 2012 Nov;21:4761-73). This amino acid position is highly conserved in available vertebrate species. In addition, the p.I1253V alteration is predicted to be benign and deleterious by PolyPhen and SIFT in silico analyses, respectively. Since supporting evidence is limited at this time, the clinical significance of this alteration remains unclear.

Literature cited by the submitters: PubMed 18179895; PubMed 22872700.

NM_014141.6(CNTNAP2):c.3757A>G (p.Ile1253Val)

Gene: CNTNAP2 (contactin associated protein 2; plus strand). Cytogenetic location: 7q36.1.
Variant type: single nucleotide variant.
Coding change: c.3757A>G on transcript NM_014141.6 (MANE Select); coding-DNA position 3757, A replaced by G.
Protein change: p.Ile1253Val; replaces isoleucine 1253 with valine.
Molecular consequence: missense variant.
Genome position (GRCh38, 1-based): chr7:148,409,432, A>G. VCF-style: chr7-148409432-A-G. GRCh37 (hg19) VCF-style: chr7-148106524-A-G.
Other names: short protein forms I1253V.
Identifiers: ClinVar variation 1734605 (VCV001734605.2), dbSNP rs762144088, ClinGen allele CA4546777.